The following is an entry in ClinVar:

ClinVar aggregate classification (germline): Uncertain significance (1 of 4 stars; one submission).

Submission:

Ambry Genetics
Classification: Uncertain significance. Last evaluated: 2024-04-27. Review status: criteria provided, single submitter. Criteria: Ambry Variant Classification Scheme 2023. Collection method: clinical testing. Allele origin: germline.
Comment: The p.S240G variant (also known as c.718A>G), located in coding exon 1 of the MLH3 gene, results from an A to G substitution at nucleotide position 718. The serine at codon 240 is replaced by glycine, an amino acid with similar properties. This amino acid position is conserved. In addition, this alteration is predicted to be tolerated by in silico analysis. Based on the available evidence, the clinical significance of this variant remains unclear.

NM_001040108.2(MLH3):c.718A>G (p.Ser240Gly)

Gene: MLH3 (mutL homolog 3; minus strand). Cytogenetic location: 14q24.3.
Variant type: single nucleotide variant.
Coding change: c.718A>G on transcript NM_001040108.2 (MANE Select); coding-DNA position 718, A replaced by G.
Protein change: p.Ser240Gly; replaces serine 240 with glycine.
Molecular consequence: missense variant.
Genome position (GRCh38, 1-based): chr14:75,048,938, T>C on the plus strand (A>G on the coding strand, the complement: MLH3 is on the minus strand). VCF-style: chr14-75048938-T-C. GRCh37 (hg19) VCF-style: chr14-75515641-T-C.
Other names: c.718A>G, p.Ser240Gly (NM_014381.3); short protein forms S240G.
Identifiers: ClinVar variation 3295077 (VCV003295077.1).